The following is an entry in ClinVar:

ClinVar aggregate classification (germline): Benign (1 of 4 stars; one submission).

Allele frequency attached by ClinVar (database versions not stated): TOPMed 0.38394; ESP Exome Variant Server 0.39276; 1000 Genomes Project 0.39916; 1000 Genomes Project 30x 0.40162.
gnomAD v4.1: 584,120 of 1,592,212 alleles (37%); highest among the groups gnomAD compares: South Asian, 48%; 109,996 homozygotes.

Submission:

Unidad de Genómica Garrahan, Hospital de Pediatría Garrahan
Classification: Benign. Last evaluated: 2024-01-24. Review status: criteria provided, single submitter. Criteria: ACMG Guidelines, 2015. Collection method: clinical testing. Allele origin: germline. Affected: no. Observed: 42 variant alleles.
Comment: This variant is classified as Benign based on local population frequency. This variant was detected in 48% of patients studied by a panel of primary immunodeficiencies. Number of patients: 42. Only high quality variants are reported.

NM_001040458.3(ERAP1):c.2448-38C>T

Genes: ERAP1 (endoplasmic reticulum aminopeptidase 1; minus strand), LOC126807458 (CDK7 strongly-dependent group 2 enhancer GRCh37_chr5:96116076-96117275; plus strand). Cytogenetic location: 5q15.
Variant type: single nucleotide variant.
Coding change: c.2448-38C>T on transcript NM_001040458.3 (MANE Select); 38 bases into the intron before coding-DNA position 2448, C replaced by T.
Molecular consequence: intron variant.
Genome position (GRCh38, 1-based): chr5:96,781,236, G>A on the plus strand (C>T on the coding strand, the complement: ERAP1 is on the minus strand). VCF-style: chr5-96781236-G-A. GRCh37 (hg19) VCF-style: chr5-96116940-G-A.
Other names: c.2448-38C>T (NM_001349244.2, NM_016442.5, NM_001198541.3).
Identifiers: ClinVar variation 2688424 (VCV002688424.2), dbSNP rs27042, ClinGen allele CA3351921.
Genomic context (GRCh38, chr5:96,781,236, plus strand): 5'-CCTTAAAGCTTTCATCTAGTAGCCTAGAAGGATTAAGAAAAGAAATGTTAGCAATGAATA[G>A]GTGATGAAACAGTTATGAATCACTGCAATAAAATTACTTGTAAAAGAAAAAAAAGTCTGC-3'